The following is an entry in ClinVar:

ClinVar aggregate classification (germline): Uncertain significance (1 of 4 stars; one submission).

Submission:

GeneDx
Classification: Uncertain significance. Last evaluated: 2022-06-28. Review status: criteria provided, single submitter. Criteria: GeneDx Variant Classification Process June 2021. Collection method: clinical testing. Allele origin: germline. Affected: yes.
Comment: Not observed at significant frequency in large population cohorts (gnomAD); In silico analysis supports a deleterious effect on splicing; In silico analysis supports that this missense variant does not alter protein structure/function; Has not been previously published as pathogenic or benign to our knowledge

NM_001170629.2(CHD8):c.6772G>C (p.Glu2258Gln)

Genes: CHD8 (chromodomain helicase DNA binding protein 8; minus strand), LOC126861888 (CDK7 strongly-dependent group 2 enhancer GRCh37_chr14:21859227-21860426; plus strand). Cytogenetic location: 14q11.2.
Variant type: single nucleotide variant.
Coding change: c.6772G>C on transcript NM_001170629.2 (MANE Select); coding-DNA position 6772, G replaced by C.
Protein change: p.Glu2258Gln; replaces glutamic acid 2258 with glutamine.
Molecular consequence: missense variant.
Genome position (GRCh38, 1-based): chr14:21,391,946, C>G on the plus strand (G>C on the coding strand, the complement: CHD8 is on the minus strand). VCF-style: chr14-21391946-C-G. GRCh37 (hg19) VCF-style: chr14-21860105-C-G.
Other names: c.5935G>C, p.Glu1979Gln (NM_020920.4); short protein forms E1979Q, E2258Q.
Identifiers: ClinVar variation 1809942 (VCV001809942.1), dbSNP rs1555312950, ClinGen allele CA388877651.